The following is an entry in ClinVar:

NM_001010867.4(IBA57):c.754G>A (p.Gly252Ser)

Gene: IBA57 (iron-sulfur cluster assembly factor IBA57; plus strand). Cytogenetic location: 1q42.13.
Variant type: single nucleotide variant.
Coding change: c.754G>A on transcript NM_001010867.4 (MANE Select); coding-DNA position 754, G replaced by A.
Protein change: p.Gly252Ser; replaces glycine 252 with serine.
Molecular consequence: missense variant.
Genome position (GRCh38, 1-based): chr1:228,175,196, G>A. VCF-style: chr1-228175196-G-A. GRCh37 (hg19) VCF-style: chr1-228362897-G-A.
Other names: c.175G>A, p.Gly59Ser (NM_001310327.2); short protein forms G252S, G59S.
Identifiers: ClinVar variation 2432686 (VCV002432686.4), dbSNP rs1571918954, ClinGen allele CA345115046.

ClinVar aggregate classification (germline): Conflicting classifications of pathogenicity. Review status: criteria provided, conflicting classifications (1 of 4 stars). 2 submissions from 2 submitters: Likely pathogenic (1); Uncertain significance (1). Last evaluated 2019-05-01.

Conditions:
Multiple mitochondrial dysfunctions syndrome 3 (MMDS3). Identifiers: Orphanet 363424, MedGen C3809165, MONDO:0014132, OMIM 615330.

Allele frequency attached by ClinVar (database versions not stated): gnomAD exomes below 0.00001; gnomAD 0.00001; TOPMed 0.00001.

Submissions (2):

Revvity Omics, Revvity
Classification: Uncertain significance. Last evaluated: 2019-05-01. Review status: criteria provided, single submitter. Criteria: ACMG Guidelines, 2015. Collection method: clinical testing. Allele origin: germline.

Molecular Diagnostic Laboratory, Beijing Chigene Translational Medicine Research Center
Classification: Likely pathogenic for Multiple mitochondrial dysfunctions syndrome 3. Review status: criteria provided, single submitter. Criteria: ACMG Guidelines, 2015. Collection method: clinical testing. Allele origin: maternal. Inheritance: Autosomal recessive inheritance. Affected: no.
Comment: The c.754G>A variant has the rs number rs1571918954 and is not recorded in general population carrier frequency databases such as the Thousand Genomes Project or gnomAD. According to the ACMG guidelines, this variant is classified as a likely pathogenic variant: PM2_Supporting + PM3 + PM5+ PP3, with the specific basis as follows: PM3：The variant has been detected as a homozygous variant or in trans phase with pathogenic (P) or likely pathogenic (LP) variants, or in trans phase with variants of uncertain significance (VUS) in one or more patients with a phenotype correlation, achieving a score of 1.0≤PM3-Case_Score<2.0 [current case]. PM5：A new missense variant located on the same codon as an established pathogenic (P) or likely pathogenic (LP) missense variant. PP3：Various bioinformatics computational methods predict that the variant has a deleterious effect on the gene/gene product or affects splicing to a level that meets the supportive threshold. In summary, this variant meets criteria to be classified as likely pathogenic based on the ACMG/AMP criteria applied.